The following is an entry in ClinVar:

NM_006767.4(LZTR1):c.692T>C (p.Phe231Ser)

Gene: LZTR1 (leucine zipper like post translational regulator 1; plus strand). Cytogenetic location: 22q11.21.
Variant type: single nucleotide variant.
Coding change: c.692T>C on transcript NM_006767.4 (MANE Select); coding-DNA position 692, T replaced by C.
Protein change: p.Phe231Ser; replaces phenylalanine 231 with serine.
Molecular consequence: missense variant.
Genome position (GRCh38, 1-based): chr22:20,990,426, T>C. VCF-style: chr22-20990426-T-C. GRCh37 (hg19) VCF-style: chr22-21344715-T-C.
Other names: short protein forms F231S.
Identifiers: ClinVar variation 2136128 (VCV002136128.1), dbSNP rs2518615727, ClinGen allele CA410780496.

ClinVar aggregate classification (germline): Uncertain significance (1 of 4 stars; one submission).

Submission:

GeneDx
Classification: Uncertain significance. Last evaluated: 2022-07-21. Review status: criteria provided, single submitter. Criteria: GeneDx Variant Classification Process June 2021. Collection method: clinical testing. Allele origin: germline. Affected: yes.
Comment: In silico analysis supports that this missense variant has a deleterious effect on protein structure/function; Not observed at significant frequency in large population cohorts (gnomAD); Has not been previously published as pathogenic or benign to our knowledge